The following is an entry in ClinVar:

NM_016580.4(PCDH12):c.844T>C (p.Phe282Leu)

Genes: PCDH12 (protocadherin 12; minus strand), RNF14 (ring finger protein 14; plus strand). Cytogenetic location: 5q31.3.
Variant type: single nucleotide variant.
Coding change: c.844T>C on transcript NM_016580.4 (MANE Select); coding-DNA position 844, T replaced by C.
Protein change: p.Phe282Leu; replaces phenylalanine 282 with leucine.
Molecular consequence: missense variant.
Genome position (GRCh38, 1-based): chr5:141,957,008, A>G on the plus strand (T>C on the coding strand, the complement: PCDH12 is on the minus strand). VCF-style: chr5-141957008-A-G. GRCh37 (hg19) VCF-style: chr5-141336573-A-G.
Other names: short protein forms F282L.
Identifiers: ClinVar variation 2016002 (VCV002016002.4), dbSNP rs1753195940, ClinGen allele CA361589978.
Genomic context (GRCh38, chr5:141,957,008, plus strand): 5'-CTGTCTTGGCATCAATACTGAAGGTGTCCAGCACCTCTGGAGGCATGTGCTTACTGAGGA[A>G]GAACTCCACCTCCCCATTGGGGCCTTGGTCAGGGTCTGTGGCGGTCAGTTTTATGAGAAG-3'
Protein context (NP_057664.1, residues 272-292): DQGPNGEVEF[Phe282Leu]LSKHMPPEVL

ClinVar aggregate classification (germline): Uncertain significance (1 of 4 stars; one submission).

Allele frequency attached by ClinVar (database versions not stated): gnomAD exomes below 0.00001.
gnomAD v4.1: 3 of 1,614,180 alleles (0.00019%); highest among the groups gnomAD compares: Middle Eastern, 0.016%; no homozygotes.

Submission:

Labcorp Genetics (formerly Invitae), Labcorp
Classification: Uncertain significance. Last evaluated: 2025-10-13. Review status: criteria provided, single submitter. Criteria: Invitae Variant Classification Sherloc (09022015). Collection method: clinical testing. Allele origin: germline.
Comment: This sequence change replaces phenylalanine, which is neutral and non-polar, with leucine, which is neutral and non-polar, at codon 282 of the PCDH12 protein (p.Phe282Leu). This variant is not present in population databases (gnomAD no frequency). This variant has not been reported in the literature in individuals affected with PCDH12-related conditions. ClinVar contains an entry for this variant (Variation ID: 2016002). Invitae Evidence Modeling of protein sequence and biophysical properties (such as structural, functional, and spatial information, amino acid conservation, physicochemical variation, residue mobility, and thermodynamic stability) indicates that this missense variant is not expected to disrupt PCDH12 protein function with a negative predictive value of 95%. In summary, the available evidence is currently insufficient to determine the role of this variant in disease. Therefore, it has been classified as a Variant of Uncertain Significance.